The following is an entry in ClinVar:

ClinVar aggregate classification (germline): Likely pathogenic. Review status: reviewed by expert panel (3 of 4 stars). 4 submissions from 4 submitters: Likely pathogenic (1). 3 of the submissions do not count toward it. Last evaluated 2020-06-01.

Conditions:
PAH-related disorder. Also called: PAH-related condition.
Phenylketonuria (PKU). Also called: Phenylketonurias; Phenylketonuria (PKU); OLIGOPHRENIA PHENYLPYRUVICA; FOLLING DISEASE. Identifiers: Orphanet 716, MedGen C0031485, MONDO:0009861, OMIM 261600. Disease mechanism: loss of function.

gnomAD v4.1: 11 of 1,614,070 alleles (0.00068%); highest among the groups gnomAD compares: South Asian, 0.011%; no homozygotes.

Submissions (4):

ClinGen PAH Variant Curation Expert Panel
Classification: Likely pathogenic for Phenylketonuria. Last evaluated: 2020-06-01. Review status: reviewed by expert panel. Criteria: ClinGen PAH ACMG Specifications v1. Collection method: curation. Allele origin: germline. Inheritance: Autosomal recessive inheritance.
Comment: The c.668A>T (p.Asn223Ile) variant in PAH has been reported in 2 individuals with PKU and MHP (BH4 deficiency excluded). (PMID: 30050108). This variant has extremely low frequency in gnomAD (MAF=0.0001307). This variant was detected with in trans with p.Y166* (PMID: 30050108). Computational evidence supports a deleterious effect. In summary, this variant meets criteria to be classified as likely pathogenic for PAH. PAH-specific ACMG/AMP criteria applied: PP4_Moderate, PM2, PM3, PP3.

Women's Health and Genetics/Laboratory Corporation of America, LabCorp
Classification: Uncertain significance. Last evaluated: 2024-10-25. Review status: criteria provided, single submitter. Criteria: LabCorp Variant Classification Summary - May 2015. Collection method: clinical testing. Allele origin: germline. Not counted in ClinVar's aggregate classification.
Comment: Variant summary: PAH c.668A>T (p.Asn223Ile) results in a non-conservative amino acid change located in the Aromatic amino acid hydroxylase, C-terminal domain (IPR019774) of the encoded protein sequence. Five of five in-silico tools predict a damaging effect of the variant on protein function. The variant allele was found at a frequency of 1.6e-05 in 251334 control chromosomes. The available data on variant occurrences in the general population are insufficient to allow any conclusion about variant significance. c.668A>T has been reported in the literature in an individual affected with Phenylalanine Hydroxylase Deficiency (Phenylketonuria) without a reported second allele (Li_2015). These report(s) do not provide unequivocal conclusions about association of the variant with Phenylalanine Hydroxylase Deficiency (Phenylketonuria). To our knowledge, no experimental evidence demonstrating an impact on protein function has been reported. The following publication have been ascertained in the context of this evaluation (PMID: 26503515). ClinVar contains an entry for this variant (Variation ID: 549912). Based on the evidence outlined above, the variant was classified as uncertain significance.

PreventionGenetics, part of Exact Sciences
Classification: Likely pathogenic for PAH-related condition. Last evaluated: 2022-09-30. Review status: criteria provided, single submitter. Criteria: ACMG Guidelines, 2015. Collection method: clinical testing. Allele origin: germline. Not counted in ClinVar's aggregate classification.
Comment: The PAH c.668A>T variant is predicted to result in the amino acid substitution p.Asn223Ile. This variant has been reported in at least two individuals with phenylketonuria, one of which was compound heterozygous with a null allele (Li et al. 2015. PubMed ID: 26503515; Li at al. 2018. PubMed ID: 30050108). This variant is reported in 0.013% of alleles in individuals of South Asian descent in gnomAD. It is classified as Likely Pathogenic in ClinVar by a ClinGen expert panel. Taken together, we interpret this variant to be likely pathogenic.

Counsyl
Classification: Uncertain significance for Phenylketonuria. Last evaluated: 2018-02-15. Review status: no assertion criteria provided. Collection method: clinical testing. Allele origin: unknown. Not counted in ClinVar's aggregate classification.

Literature cited by the submitters: PubMed 26503515 (cited by 3 submitters).

NM_000277.3(PAH):c.668A>T (p.Asn223Ile)

Gene: PAH (phenylalanine hydroxylase; minus strand). Cytogenetic location: 12q23.2.
Variant type: single nucleotide variant.
Coding change: c.668A>T on transcript NM_000277.3 (MANE Select); coding-DNA position 668, A replaced by T.
Protein change: p.Asn223Ile; replaces asparagine 223 with isoleucine.
Molecular consequence: missense variant.
Genome position (GRCh38, 1-based): chr12:102,855,174, T>A on the plus strand (A>T on the coding strand, the complement: PAH is on the minus strand). VCF-style: chr12-102855174-T-A. GRCh37 (hg19) VCF-style: chr12-103248952-T-A.
Other names: c.668A>T, p.Asn223Ile (NM_001354304.2); short protein forms N223I.
Identifiers: ClinVar variation 549912 (VCV000549912.5), dbSNP rs201245932, ClinGen allele CA6748885.